The following is an entry in ClinVar:

ClinVar aggregate classification (germline): Pathogenic (1 of 4 stars; one submission).

Submission:

GeneDx
Classification: Pathogenic. Last evaluated: 2021-09-29. Review status: criteria provided, single submitter. Criteria: GeneDx Variant Classification Process June 2021. Collection method: clinical testing. Allele origin: germline. Affected: yes.
Comment: Frameshift variant predicted to result in protein truncation or nonsense mediated decay in a gene for which loss-of-function is a known mechanism of disease; Not observed at significant frequency in large population cohorts (Lek et al., 2016); Has not been previously published as pathogenic or benign to our knowledge

NM_006445.4(PRPF8):c.6379dup (p.Tyr2127fs)

Gene: PRPF8 (pre-mRNA processing factor 8; minus strand). Cytogenetic location: 17p13.3.
Variant type: Duplication.
Coding change: c.6379dup on transcript NM_006445.4 (MANE Select); coding-DNA position 6379, one base duplicated (T; older notation c.6379dupT).
Protein change: p.Tyr2127fs; shifts the reading frame from tyrosine 2127.
Molecular consequence: frameshift variant.
Genome position (GRCh38, 1-based): chr17:1,651,779, A duplicated on the plus strand (T on the coding strand, the reverse complement: PRPF8 is on the minus strand). VCF-style (leftmost placement, unchanged base first): chr17-1651778-T-TA. GRCh37 (hg19) VCF-style: chr17-1555072-T-TA.
Other names: c.6379dupT (NM_006445.3); short protein forms Y2127fs.
Identifiers: ClinVar variation 524045 (VCV000524045.4), dbSNP rs1555550180, ClinGen allele CA658798674.